The following is an entry in ClinVar:

NM_001035.3(RYR2):c.3822C>T (p.Asp1274=)

Genes: RYR2 (ryanodine receptor 2; plus strand), LOC126806067 (BRD4-independent group 4 enhancer GRCh37_chr1:237753258-237754457; plus strand). Cytogenetic location: 1q43.
Variant type: single nucleotide variant.
Coding change: c.3822C>T on transcript NM_001035.3 (MANE Select); coding-DNA position 3822, C replaced by T.
Protein change: p.Asp1274=; no amino-acid change (aspartic acid 1274 retained).
Molecular consequence: synonymous variant.
Genome position (GRCh38, 1-based): chr1:237,590,654, C>T. VCF-style: chr1-237590654-C-T. GRCh37 (hg19) VCF-style: chr1-237753954-C-T.
Other names: c.3822C>T (NM_001035.2).
Identifiers: ClinVar variation 920799 (VCV000920799.15), dbSNP rs761365777, ClinGen allele CA086464.

ClinVar aggregate classification (germline): Likely benign. Review status: criteria provided, multiple submitters, no conflicts (2 of 4 stars). 4 submissions from 4 submitters: Likely benign (4). Last evaluated 2025-07-20.

Conditions:
Cardiovascular phenotype. Identifiers: MedGen CN230736.
Catecholaminergic polymorphic ventricular tachycardia (CVPT). Also called: Catecholamine-induced polymorphic ventricular tachycardia. Identifiers: Orphanet 3286, MedGen C5574922, MONDO:0017990.
Cardiomyopathy (CMYO). Also called: Cardiomyopathies. Identifiers: Orphanet 167848, MedGen C0878544, MONDO:0004994, HP:0001638. Inheritance: Various modes of inheritance.
Catecholaminergic polymorphic ventricular tachycardia 1. Also called: VENTRICULAR TACHYCARDIA, CATECHOLAMINERGIC POLYMORPHIC, 1, WITH OR WITHOUT ATRIAL DYSFUNCTION AND/OR DILATED CARDIOMYOPATHY; RYR2-Related Catecholaminergic Polymorphic Ventricular Tachycardia; VENTRICULAR TACHYCARDIA, STRESS-INDUCED POLYMORPHIC 1. Identifiers: Orphanet 3286, MedGen C1631597, MONDO:0011484, OMIM 604772.

Allele frequency attached by ClinVar (database versions not stated): ExAC 0.00001; gnomAD exomes 0.00002; gnomAD 0.00003 and 0.00004; TOPMed 0.00003.

Submissions (4):

Labcorp Genetics (formerly Invitae), Labcorp
Classification: Likely benign for Catecholaminergic polymorphic ventricular tachycardia 1. Last evaluated: 2025-07-20. Review status: criteria provided, single submitter. Criteria: Invitae Variant Classification Sherloc (09022015). Collection method: clinical testing. Allele origin: germline.

All of Us Research Program, National Institutes of Health
Classification: Likely benign for Catecholaminergic polymorphic ventricular tachycardia. Last evaluated: 2023-11-30. Review status: criteria provided, single submitter. Criteria: ACMG Guidelines, 2015. Collection method: clinical testing. Allele origin: germline. Inheritance: Autosomal dominant inheritance. Observed: 5 variant alleles, 5 heterozygotes.
Comment: This study involves interpretation of variants in research participants for the purpose of population health screening. Participant phenotype was not available at the time of variant classification. Additional details can be found in publication PMID: 35346344, PMCID: PMC8962531

Ambry Genetics
Classification: Likely benign for Cardiovascular phenotype. Last evaluated: 2019-09-12. Review status: criteria provided, single submitter. Criteria: Ambry Variant Classification Scheme 2023. Collection method: clinical testing. Allele origin: germline.

Color Diagnostics, LLC DBA Color Health
Classification: Likely benign for Cardiomyopathy. Last evaluated: 2019-05-20. Review status: criteria provided, single submitter. Criteria: ACMG Guidelines, 2015. Collection method: clinical testing. Allele origin: germline.